The following is an entry in ClinVar:

ClinVar aggregate classification (germline): Conflicting classifications of pathogenicity. Review status: criteria provided, conflicting classifications (1 of 4 stars). 17 submissions from 13 submitters: Uncertain significance (7); Benign (4); Likely benign (5). 1 of the submissions does not count toward it. Last evaluated 2026-06-01.

Conditions:
TTN-related disorder. Also called: TTN-related condition; TTN-related disease; TTN-related disorders.
Cardiovascular phenotype. Identifiers: MedGen CN230736.
Dilated cardiomyopathy 1G (CMD1G). Identifiers: Orphanet 154, MedGen C1858763, MONDO:0011400, OMIM 604145.
Autosomal recessive limb-girdle muscular dystrophy type 2J (LGMDR10). Also called: Limb-girdle muscular dystrophy, type 2J; MUSCULAR DYSTROPHY, LIMB-GIRDLE, AUTOSOMAL RECESSIVE 10. Identifiers: Orphanet 140922, MedGen C1837342, MONDO:0012127, OMIM 608807.
Cardiomyopathy (CMYO). Also called: Cardiomyopathies. Identifiers: Orphanet 167848, MedGen C0878544, MONDO:0004994, HP:0001638. Inheritance: Various modes of inheritance.
Early-onset myopathy with fatal cardiomyopathy (CMYO5). Also called: Salih Myopathy; CONGENITAL MYOPATHY 5 WITH CARDIOMYOPATHY. Identifiers: Orphanet 289377, MedGen C2673677, MONDO:0012714, OMIM 611705. Disease mechanism: loss of function.
Myopathy, myofibrillar, 9, with early respiratory failure (MFM9). Also called: Hereditary myopathy with early respiratory failure; Myopathy, distal, with early respiratory failure, autosomal dominant; EDSTROM MYOPATHY; MYOPATHY, PROXIMAL, WITH EARLY RESPIRATORY MUSCLE INVOLVEMENT. Identifiers: Orphanet 178464, Orphanet 34521, MedGen C1863599, MONDO:0011362, OMIM 603689.
Tibial muscular dystrophy (TMD). Also called: Udd Distal Myopathy – Tibial Muscular Dystrophy; Tibial muscular dystrophy, tardive; UDD MYOPATHY. Identifiers: Orphanet 609, MedGen C1838244, MONDO:0010870, OMIM 600334.

Allele frequency attached by ClinVar (database versions not stated): gnomAD exomes 0.00021 and 0.00045; ExAC 0.00039; ESP Exome Variant Server 0.00058; gnomAD 0.00084 and 0.00091; 1000 Genomes Project 0.00100; 1000 Genomes Project 30x 0.00109; TOPMed 0.00118.
gnomAD v4.1: 451 of 1,583,008 alleles (0.028%); highest among the groups gnomAD compares: African/African-American, 0.18%; no homozygotes.

Submissions (17):

CeGaT Center for Human Genetics Tuebingen
Classification: Uncertain significance. Last evaluated: 2026-06-01. Review status: criteria provided, single submitter. Criteria: CeGaT Center For Human Genetics Tuebingen Variant Classification Criteria Version 2. Collection method: clinical testing. Allele origin: germline. Affected: yes. Observed: 4 variant alleles.

Labcorp Genetics (formerly Invitae), Labcorp
Classification: Likely benign for Dilated cardiomyopathy 1G; Autosomal recessive limb-girdle muscular dystrophy type 2J. Last evaluated: 2026-02-03. Review status: criteria provided, single submitter. Criteria: Invitae Variant Classification Sherloc (09022015). Collection method: clinical testing. Allele origin: germline.

Molecular Diagnostic Laboratory for Inherited Cardiovascular Disease, Montreal Heart Institute
Classification: Likely benign. Last evaluated: 2025-04-09. Review status: criteria provided, single submitter. Criteria: ACMG Guidelines, 2015. Collection method: clinical testing. Allele origin: germline. Affected: no.

Blueprint Genetics
Classification: Likely benign. Last evaluated: 2024-11-01. Review status: criteria provided, single submitter. Criteria: ACMG Guidelines, 2015. Collection method: clinical testing. Allele origin: germline.

Mayo Clinic Laboratories, Mayo Clinic
Classification: Uncertain significance. Last evaluated: 2023-03-17. Review status: criteria provided, single submitter. Criteria: ACMG Guidelines, 2015. Collection method: clinical testing. Allele origin: germline. Observed: 3 variant alleles.

GeneDx
Classification: Likely benign. Last evaluated: 2020-11-27. Review status: criteria provided, single submitter. Criteria: GeneDx Variant Classification Process June 2021. Collection method: clinical testing. Allele origin: germline. Affected: yes.
Comment: This variant is associated with the following publications: (PMID: 24503780, 27930701)

Women's Health and Genetics/Laboratory Corporation of America, LabCorp
Classification: Benign. Last evaluated: 2020-09-24. Review status: criteria provided, single submitter. Criteria: LabCorp Variant Classification Summary - May 2015. Collection method: clinical testing. Allele origin: germline.
Comment: Variant summary: TTN c.64675G>A (p.Glu21559Lys) results in a conservative amino acid change located in the A-band region in the encoded protein sequence. Three of five in-silico tools predict a damaging effect of the variant on protein function. The variant allele was found at a frequency of 0.00049 in 255402 control chromosomes, predominantly at a frequency of 0.0018 within the African or African-American subpopulation in the gnomAD database. The observed variant frequency within African or African-American control individuals in the gnomAD database is approximately 4.5-fold of the estimated maximal expected allele frequency for a pathogenic variant in TTN causing Dilated Cardiomyopathy phenotype (0.00039), strongly suggesting that the variant is a benign polymorphism found primarily in populations of African or African-American origin. c.64675G>A has been reported in the literature in an individual affected with Dilated Cardiomyopathy (Pugh_2014). This report however does not provide unequivocal conclusions about association of the variant with Dilated Cardiomyopathy. To our knowledge, no experimental evidence demonstrating an impact on protein function has been reported. Seven clinical diagnostic laboratories have submitted clinical-significance assessments for this variant to ClinVar after 2014 without evidence for independent evaluation. Multiple laboratories reported the variant with conflicting assessments, 2 calling it benign, 2 likely benign and 3 classifying it as a VUS. Based on the evidence outlined above, the variant was classified as benign.

Ambry Genetics
Classification: Likely benign for Cardiovascular phenotype. Last evaluated: 2018-08-01. Review status: criteria provided, single submitter. Criteria: Ambry Variant Classification Scheme 2023. Collection method: clinical testing. Allele origin: germline.

Illumina Laboratory Services, Illumina
Classification: Benign for Tibial muscular dystrophy. Last evaluated: 2018-01-12. Review status: criteria provided, single submitter. Criteria: ICSL Variant Classification Criteria 13 December 2019. Collection method: clinical testing. Allele origin: germline.
Comment: This variant was observed in the ICSL laboratory as part of a predisposition screen in an ostensibly healthy population. It had not been previously curated by ICSL or reported in the Human Gene Mutation Database (HGMD: prior to June 1st, 2018), and was therefore a candidate for classification through an automated scoring system. Utilizing variant allele frequency, disease prevalence and penetrance estimates, and inheritance mode, an automated score was calculated to assess if this variant is too frequent to cause the disease. Based on the score and internal cut-off values, a variant classified as benign is not then subjected to further curation. The score for this variant resulted in a classification of benign for this disease.

Illumina Laboratory Services, Illumina
Classification: Benign for Myopathy, myofibrillar, 9, with early respiratory failure. Last evaluated: 2018-01-12. Review status: criteria provided, single submitter. Criteria: ICSL Variant Classification Criteria 13 December 2019. Collection method: clinical testing. Allele origin: germline.
Comment: the same text as in the submission from Illumina Laboratory Services, Illumina above.

Illumina Laboratory Services, Illumina
Classification: Uncertain significance for Early-onset myopathy with fatal cardiomyopathy. Last evaluated: 2018-01-12. Review status: criteria provided, single submitter. Criteria: ICSL Variant Classification Criteria 13 December 2019. Collection method: clinical testing. Allele origin: germline.

Illumina Laboratory Services, Illumina
Classification: Uncertain significance for Dilated cardiomyopathy 1G. Last evaluated: 2018-01-12. Review status: criteria provided, single submitter. Criteria: ICSL Variant Classification Criteria 13 December 2019. Collection method: clinical testing. Allele origin: germline.

Illumina Laboratory Services, Illumina
Classification: Uncertain significance for Autosomal recessive limb-girdle muscular dystrophy type 2J. Last evaluated: 2018-01-12. Review status: criteria provided, single submitter. Criteria: ICSL Variant Classification Criteria 13 December 2019. Collection method: clinical testing. Allele origin: germline.

CHEO Genetics Diagnostic Laboratory, Children's Hospital of Eastern Ontario
Classification: Benign for Cardiomyopathy. Last evaluated: 2018-01-02. Review status: criteria provided, single submitter. Criteria: ACMG Guidelines, 2015. Collection method: clinical testing. Allele origin: germline.

Eurofins Ntd Llc (ga)
Classification: Uncertain significance. Last evaluated: 2015-07-21. Review status: criteria provided, single submitter. Criteria: EGL Classification Definitions 2015. Collection method: clinical testing. Allele origin: germline. Observed: 1 variant allele, 1 heterozygote.

Laboratory for Molecular Medicine, Mass General Brigham Personalized Medicine
Classification: Uncertain significance. Last evaluated: 2015-04-18. Review status: criteria provided, single submitter. Criteria: LMM Criteria. Collection method: clinical testing. Allele origin: germline. Observed: 2 variant alleles.
Comment: Variant classified as Uncertain Significance - Favor Benign. This variant has also been identified in 0.16% (15/9674) of African chromosomes by the Exome Aggregation Consortium (ExAC; dbSNP rs149763294). Computational prediction tools and conservation analysis do not provide strong support for or against an impact to the protein. In summary, while the clinical significance of the p.Glu21559Ly s variant is uncertain, its frequency suggests that it is more likely to be beni gn.

PreventionGenetics, part of Exact Sciences
Classification: Likely benign for TTN-related condition. Last evaluated: 2021-04-29. Review status: no assertion criteria provided. Collection method: clinical testing. Allele origin: germline. Not counted in ClinVar's aggregate classification.
Comment: This variant is classified as likely benign based on ACMG/AMP sequence variant interpretation guidelines (Richards et al. 2015 PMID: 25741868, with internal and published modifications).

Literature cited by the submitters: PubMed 24503780 (cited by Women's Health and Genetics/Laboratory Corporation of America, LabCorp); PubMed 27930701 (cited by Women's Health and Genetics/Laboratory Corporation of America, LabCorp); PubMed 26516846 (cited by Women's Health and Genetics/Laboratory Corporation of America, LabCorp).

NM_001267550.2(TTN):c.72379G>A (p.Glu24127Lys)

Genes: TTN-AS1 (TTN antisense RNA 1; plus strand), TTN (titin; minus strand). Cytogenetic location: 2q31.2.
Variant type: single nucleotide variant.
Coding change: c.72379G>A on transcript NM_001267550.2 (MANE Select); coding-DNA position 72379, G replaced by A.
Protein change: p.Glu24127Lys; replaces glutamic acid 24127 with lysine.
Molecular consequence: missense variant.
Genome position (GRCh38, 1-based): chr2:178,573,753, C>T on the plus strand (G>A on the coding strand, the complement: TTN is on the minus strand). VCF-style: chr2-178573753-C-T. GRCh37 (hg19) VCF-style: chr2-179438480-C-T.
Other names: p.E22486K:GAA>AAA; c.67456G>A, p.Glu22486Lys (NM_001256850.1); c.64675G>A, p.Glu21559Lys (NM_133378.4); c.45184G>A, p.Glu15062Lys (NM_003319.4); c.45559G>A, p.Glu15187Lys (NM_133432.3); c.45760G>A, p.Glu15254Lys (NM_133437.4); short protein forms E24127K, E21559K, E22486K, E15062K, E15187K, E15254K.
Identifiers: ClinVar variation 47312 (VCV000047312.73), dbSNP rs149763294, ClinGen allele CA140644.